The following is an entry in ClinVar:

ClinVar aggregate classification (germline): Uncertain significance (1 of 4 stars; one submission).

Allele frequency attached by ClinVar (database versions not stated): gnomAD exomes below 0.00001; TOPMed below 0.00001.
gnomAD v4.1: 2 of 1,604,966 alleles (0.00012%); highest among the groups gnomAD compares: Non-Finnish European, 0.000085%; no homozygotes.

Submission:

Labcorp Genetics (formerly Invitae), Labcorp
Classification: Uncertain significance. Last evaluated: 2022-02-06. Review status: criteria provided, single submitter. Criteria: Invitae Variant Classification Sherloc (09022015). Collection method: clinical testing. Allele origin: germline.
Comment: This sequence change replaces asparagine, which is neutral and polar, with serine, which is neutral and polar, at codon 1016 of the CACNA1D protein (p.Asn1016Ser). This variant is not present in population databases (gnomAD no frequency). This variant has not been reported in the literature in individuals affected with CACNA1D-related conditions. Algorithms developed to predict the effect of missense changes on protein structure and function are either unavailable or do not agree on the potential impact of this missense change (SIFT: "Deleterious"; PolyPhen-2: "Probably Damaging"; Align-GVGD: "Class C0"). In summary, the available evidence is currently insufficient to determine the role of this variant in disease. Therefore, it has been classified as a Variant of Uncertain Significance.

NM_001128840.3(CACNA1D):c.2987A>G (p.Asn996Ser)

Gene: CACNA1D (calcium voltage-gated channel subunit alpha1 D; plus strand). Cytogenetic location: 3p21.1.
Variant type: single nucleotide variant.
Coding change: c.2987A>G on transcript NM_001128840.3 (MANE Select); coding-DNA position 2987, A replaced by G.
Protein change: p.Asn996Ser; replaces asparagine 996 with serine.
Molecular consequence: missense variant.
Genome position (GRCh38, 1-based): chr3:53,744,808, A>G. VCF-style: chr3-53744808-A-G. GRCh37 (hg19) VCF-style: chr3-53778835-A-G.
Other names: c.3047A>G, p.Asn1016Ser (NM_000720.4); c.2987A>G, p.Asn996Ser (NM_001128839.3); short protein forms N996S, N1016S.
Identifiers: ClinVar variation 1905329 (VCV001905329.5), dbSNP rs2095151707, ClinGen allele CA353246243.
Genomic context (GRCh38, chr3:53,744,808, plus strand): 5'-CCATCTCCGTTGTGAAGATTCTGAGGGTCTTAAGGGTCCTGCGTCCCCTCAGGGCCATCA[A>G]CAGAGCAAAAGGACTTAAGGTTTTGATTCCTCTCCTCCCGGCTGGGCTGGCTTGGGTTGG-3'
Protein context (NP_001122312.1, residues 986-1006): LRVLRPLRAI[Asn996Ser]RAKGLKHVVQ